The following is an entry in ClinVar:

NM_213647.3(FGFR4):c.1603A>C (p.Asn535His)

Gene: FGFR4 (fibroblast growth factor receptor 4; plus strand). Cytogenetic location: 5q35.2.
Variant type: single nucleotide variant.
Coding change: c.1603A>C on transcript NM_213647.3 (MANE Select); coding-DNA position 1603, A replaced by C.
Protein change: p.Asn535His; replaces asparagine 535 with histidine.
Molecular consequence: missense variant.
Genome position (GRCh38, 1-based): chr5:177,095,413, A>C. VCF-style: chr5-177095413-A-C. GRCh37 (hg19) VCF-style: chr5-176522414-A-C.
Other names: c.1399A>C, p.Asn467His (NM_001291980.2); c.1603A>C, p.Asn535His (NM_001354984.2, NM_002011.5); c.1483A>C, p.Asn495His (NM_022963.3); short protein forms N467H, N495H, N535H.
Identifiers: ClinVar variation 4530562 (VCV004530562.1).

ClinVar aggregate classification (somatic clinical impact): Tier I - Strong (1 of 4 stars; one submission).

Conditions:
Embryonal rhabdomyosarcoma (ERMS). Also called: Botryoid rhabdomyosarcoma (type of ERMS); Spindle cell rhabdomyosarcomas (type of ERMS). Identifiers: Orphanet 99757, MedGen C0206656, MONDO:0009993, HP:0006743.

Submission:

Institute for Genomic Medicine (IGM) Clinical Laboratory, Nationwide Children's Hospital
Classification: Tier I - Strong for Embryonal rhabdomyosarcoma. Assertion type: diagnostic. Clinical significance: supports diagnosis. Last evaluated: 2023-12-05. Review status: criteria provided, single submitter. Criteria: AMP/ASCO/CAP Guidelines, 2017. Collection method: clinical testing. Allele origin: somatic. Affected: yes.
Comment: Variant has Tier I (strong) clinical significance as a diagnostic inclusion criterion in embryonal rhabdomyosarcoma, based on the following evidence: 1) Appears in one or more well-established professional guidelines (e.g., World Health Organization [WHO]; National Comprehensive Cancer Network [NCCN]) as providing diagnostic, prognostic, or therapeutic information. 2) Diagnostic for a specific tumor type/classification based on well-powered studies with expert-level consensus (Evidence Level B; PMIDs: 24436047, 34166060, 24332040, 25768946, 19809159).

Literature cited by the submitters: PubMed 24436047; PubMed 34166060; PubMed 24332040; PubMed 25768946; PubMed 19809159.